The following is an entry in ClinVar:

NM_020949.3(SLC7A14):c.1516G>A (p.Val506Ile)

Genes: SLC7A14 (solute carrier family 7 member 14; minus strand), SLC7A14-AS1 (SLC7A14 antisense RNA 1; plus strand). Cytogenetic location: 3q26.2.
Variant type: single nucleotide variant.
Coding change: c.1516G>A on transcript NM_020949.3 (MANE Select); coding-DNA position 1516, G replaced by A.
Protein change: p.Val506Ile; replaces valine 506 with isoleucine.
Molecular consequence: missense variant.
Genome position (GRCh38, 1-based): chr3:170,480,766, C>T on the plus strand (G>A on the coding strand, the complement: SLC7A14 is on the minus strand). VCF-style: chr3-170480766-C-T. GRCh37 (hg19) VCF-style: chr3-170198555-C-T.
Other names: short protein forms V506I.
Identifiers: ClinVar variation 835539 (VCV000835539.11), dbSNP rs80100530, ClinGen allele CA2701614.

ClinVar aggregate classification (germline): Uncertain significance. Review status: criteria provided, multiple submitters, no conflicts (2 of 4 stars). 3 submissions from 3 submitters: Uncertain significance (3). Last evaluated 2025-07-31.

Allele frequency attached by ClinVar (database versions not stated): gnomAD exomes 0.00004 and 0.00009; ExAC 0.00009; ESP Exome Variant Server 0.00031; TOPMed 0.00036; gnomAD 0.00039 and 0.00041; 1000 Genomes Project 0.00060; 1000 Genomes Project 30x 0.00094.
gnomAD v4.1: 115 of 1,614,144 alleles (0.0071%); highest among the groups gnomAD compares: African/African-American, 0.12%; no homozygotes.

Submissions (3):

Labcorp Genetics (formerly Invitae), Labcorp
Classification: Uncertain significance. Last evaluated: 2025-07-31. Review status: criteria provided, single submitter. Criteria: Invitae Variant Classification Sherloc (09022015). Collection method: clinical testing. Allele origin: germline.
Comment: This sequence change replaces valine, which is neutral and non-polar, with isoleucine, which is neutral and non-polar, at codon 506 of the SLC7A14 protein (p.Val506Ile). This variant is present in population databases (rs80100530, gnomAD 0.1%), and has an allele count higher than expected for a pathogenic variant. This variant has not been reported in the literature in individuals affected with SLC7A14-related conditions. ClinVar contains an entry for this variant (Variation ID: 835539). An algorithm developed to predict the effect of missense changes on protein structure and function outputs the following: PolyPhen-2: "Benign". The isoleucine amino acid residue is found in multiple mammalian species, which suggests that this missense change does not adversely affect protein function. In summary, the available evidence is currently insufficient to determine the role of this variant in disease. Therefore, it has been classified as a Variant of Uncertain Significance.

Ambry Genetics
Classification: Uncertain significance. Last evaluated: 2025-03-01. Review status: criteria provided, single submitter. Criteria: Ambry Variant Classification Scheme 2023. Collection method: clinical testing. Allele origin: germline.

Blueprint Genetics
Classification: Uncertain significance. Last evaluated: 2023-11-06. Review status: criteria provided, single submitter. Criteria: ACMG Guidelines, 2015. Collection method: clinical testing. Allele origin: germline.